The following is an entry in ClinVar:

ClinVar aggregate classification (germline): Uncertain significance (1 of 4 stars; one submission).

Conditions:
Anophthalmia-microphthalmia syndrome. Also called: Anophthalmia - microphthalmia; Anophthalmia/Microphthalmia. Identifiers: Orphanet 98555, MedGen C5680330, MONDO:0020147.

gnomAD v4.1: 1 of 1,614,172 alleles (0.000062%); no homozygotes.

Submission:

Labcorp Genetics (formerly Invitae), Labcorp
Classification: Uncertain significance for Anophthalmia-microphthalmia syndrome. Last evaluated: 2023-12-13. Review status: criteria provided, single submitter. Criteria: Invitae Variant Classification Sherloc (09022015). Collection method: clinical testing. Allele origin: germline.
Comment: This sequence change replaces aspartic acid, which is acidic and polar, with glutamic acid, which is acidic and polar, at codon 273 of the OTX2 protein (p.Asp273Glu). This variant is not present in population databases (gnomAD no frequency). This variant has not been reported in the literature in individuals affected with OTX2-related conditions. An algorithm developed to predict the effect of missense changes on protein structure and function (PolyPhen-2) suggests that this variant is likely to be disruptive. In summary, the available evidence is currently insufficient to determine the role of this variant in disease. Therefore, it has been classified as a Variant of Uncertain Significance.

NM_021728.4(OTX2):c.843C>A (p.Asp281Glu)

Gene: OTX2 (orthodenticle homeobox 2; minus strand). Cytogenetic location: 14q22.3.
Variant type: single nucleotide variant.
Coding change: c.843C>A on transcript NM_021728.4 (MANE Select); coding-DNA position 843, C replaced by A.
Protein change: p.Asp281Glu; replaces aspartic acid 281 with glutamic acid.
Molecular consequence: missense variant. On other transcripts: non-coding transcript variant (2).
Genome position (GRCh38, 1-based): chr14:56,801,786, G>T on the plus strand (C>A on the coding strand, the complement: OTX2 is on the minus strand). VCF-style: chr14-56801786-G-T. GRCh37 (hg19) VCF-style: chr14-57268504-G-T.
Other names: c.819C>A, p.Asp273Glu (NM_001270523.2, NM_001270524.2, NM_172337.3); c.843C>A, p.Asp281Glu (NM_001270525.2); short protein forms D273E, D281E.
Identifiers: ClinVar variation 2702631 (VCV002702631.3), dbSNP rs2503893188, ClinGen allele CA390050994.
Genomic context (GRCh38, chr14:56,801,786, plus strand): 5'-TACAGGTCTTCACAAAACCTGGAATTTCCACGAGGATGTCTGATCTTTATAATCCAAGCA[G>T]TCAGCATTGAAGTTAAGCTTCCAGGAGGCAGTTTGGTCCTTATAATCCAAGCAATCAGTG-3'
Protein context (NP_068374.1, residues 271-291): TASWKLNFNA[Asp281Glu]CLDYKDQTSS